The following is an entry in ClinVar:

ClinVar aggregate classification (germline): Likely benign. Review status: criteria provided, single submitter (1 of 4 stars). 2 submissions from 2 submitters: Likely benign (1). 1 of the submissions does not count toward it. Last evaluated 2023-07-29.

Conditions:
GJB3-related disorder. Also called: GJB3-related condition.

Allele frequency attached by ClinVar (database versions not stated): ExAC 0.00010; gnomAD 0.00023; ESP Exome Variant Server 0.00069.
gnomAD v4.1: 68 of 1,614,020 alleles (0.0042%); highest among the groups gnomAD compares: African/African-American, 0.085%; no homozygotes.

Submissions (2):

Labcorp Genetics (formerly Invitae), Labcorp
Classification: Likely benign. Last evaluated: 2023-07-29. Review status: criteria provided, single submitter. Criteria: Invitae Variant Classification Sherloc (09022015). Collection method: clinical testing. Allele origin: germline.

PreventionGenetics, part of Exact Sciences
Classification: Likely benign for GJB3-related condition. Last evaluated: 2024-08-07. Review status: no assertion criteria provided. Collection method: clinical testing. Allele origin: germline. Not counted in ClinVar's aggregate classification.
Comment: This variant is classified as likely benign based on ACMG/AMP sequence variant interpretation guidelines (Richards et al. 2015 PMID: 25741868, with internal and published modifications).

NM_024009.3(GJB3):c.378C>T (p.Gly126=)

Gene: GJB3 (gap junction protein beta 3; plus strand). Cytogenetic location: 1p34.3.
Variant type: single nucleotide variant.
Coding change: c.378C>T on transcript NM_024009.3 (MANE Select); coding-DNA position 378, C replaced by T.
Protein change: p.Gly126=; no amino-acid change (glycine 126 retained).
Molecular consequence: synonymous variant.
Genome position (GRCh38, 1-based): chr1:34,785,140, C>T. VCF-style: chr1-34785140-C-T. GRCh37 (hg19) VCF-style: chr1-35250741-C-T.
Other names: c.378C>T, p.Gly126= (NM_001005752.2); c.378C>T (NM_024009.2).
Identifiers: ClinVar variation 2756221 (VCV002756221.4), dbSNP rs142544385, ClinGen allele CA754827.
Genomic context (GRCh38, chr1:34,785,140, plus strand): 5'-CCAGAAACACGGGGACCAGTGCGCCAAGCTGTACGACAACGCAGGCAAGAAGCACGGAGG[C>T]CTGTGGTGGACCTACCTGTTCAGCCTCATCTTCAAGCTCATCATTGAGTTCCTCTTCCTC-3'
Protein context (NP_076872.1, residues 116-136): LYDNAGKKHG[Gly126=]LWWTYLFSLI